The following is an entry in ClinVar:

ClinVar aggregate classification (germline): Uncertain significance (1 of 4 stars; one submission).

Conditions:
Inborn genetic diseases. Identifiers: MedGen C0950123, MeSH D030342.

Submission:

Ambry Genetics
Classification: Uncertain significance for Inborn genetic diseases. Last evaluated: 2018-06-12. Review status: criteria provided, single submitter. Criteria: Ambry Variant Classification Scheme 2023. Collection method: clinical testing. Allele origin: germline.
Comment: The p.H106R variant (also known as c.317A>G), located in coding exon 3 of the DYRK1A gene, results from an A to G substitution at nucleotide position 317. The histidine at codon 106 is replaced by arginine, an amino acid with highly similar properties. This amino acid position is highly conserved in available vertebrate species. In addition, the in silico prediction for this alteration is inconclusive. Since supporting evidence is limited at this time, the clinical significance of this alteration remains unclear.

NM_001347721.2(DYRK1A):c.290A>G (p.His97Arg)

Gene: DYRK1A (dual specificity tyrosine phosphorylation regulated kinase 1A; plus strand). Cytogenetic location: 21q22.13.
Variant type: single nucleotide variant.
Coding change: c.290A>G on transcript NM_001347721.2 (MANE Select); coding-DNA position 290, A replaced by G.
Protein change: p.His97Arg; replaces histidine 97 with arginine.
Molecular consequence: missense variant.
Genome position (GRCh38, 1-based): chr21:37,478,290, A>G. VCF-style: chr21-37478290-A-G. GRCh37 (hg19) VCF-style: chr21-38850592-A-G.
Other names: c.290A>G, p.His97Arg (NM_001347722.2, NM_130436.2); c.203A>G, p.His68Arg (NM_001347723.2); c.317A>G, p.His106Arg (NM_001396.5, NM_101395.2, NM_130438.2); short protein forms H68R, H106R, H97R.
Identifiers: ClinVar variation 1728509 (VCV001728509.2), dbSNP rs2517974859, ClinGen allele CA409943671.